The following is an entry in ClinVar:

NM_015102.5(NPHP4):c.3201C>G (p.Ser1067Arg)

Gene: NPHP4 (nephrocystin 4; minus strand). Cytogenetic location: 1p36.31.
Variant type: single nucleotide variant.
Coding change: c.3201C>G on transcript NM_015102.5 (MANE Select); coding-DNA position 3201, C replaced by G.
Protein change: p.Ser1067Arg; replaces serine 1067 with arginine.
Molecular consequence: missense variant. On other transcripts: non-coding transcript variant (1).
Genome position (GRCh38, 1-based): chr1:5,874,501, G>C on the plus strand (C>G on the coding strand, the complement: NPHP4 is on the minus strand). VCF-style: chr1-5874501-G-C. GRCh37 (hg19) VCF-style: chr1-5934561-G-C.
Other names: c.1662C>G, p.Ser554Arg (NM_001291593.2); c.1665C>G, p.Ser555Arg (NM_001291594.2); short protein forms S1067R, S554R, S555R.
Identifiers: ClinVar variation 3061351 (VCV003061351.2), dbSNP rs2523114980, ClinGen allele CA338055512.

ClinVar aggregate classification (germline): Uncertain significance (0 of 4 stars; one submission).

Conditions:
NPHP4-related disorder. Also called: NPHP4-related disorders; NPHP4-related condition. Identifiers: MedGen CN239384.

Submission:

PreventionGenetics, part of Exact Sciences
Classification: Uncertain significance for NPHP4-related condition. Last evaluated: 2024-02-20. Review status: no assertion criteria provided. Collection method: clinical testing. Allele origin: germline.
Comment: The NPHP4 c.3201C>G variant is predicted to result in the amino acid substitution p.Ser1067Arg. To our knowledge, this variant has not been reported in the literature or in a large population database, indicating this variant is rare. At this time, the clinical significance of this variant is uncertain due to the absence of conclusive functional and genetic evidence.